The following is an entry in ClinVar:

NM_004454.3(ETV5):c.1470C>T (p.Pro490=)

Gene: ETV5 (ETS variant transcription factor 5; minus strand). Cytogenetic location: 3q27.2.
Variant type: single nucleotide variant.
Coding change: c.1470C>T on transcript NM_004454.3 (MANE Select); coding-DNA position 1470, C replaced by T.
Protein change: p.Pro490=; no amino-acid change (proline 490 retained).
Molecular consequence: synonymous variant.
Genome position (GRCh38, 1-based): chr3:186,048,702, G>A on the plus strand (C>T on the coding strand, the complement: ETV5 is on the minus strand). VCF-style: chr3-186048702-G-A. GRCh37 (hg19) VCF-style: chr3-185766491-G-A.
Identifiers: ClinVar variation 3035615 (VCV003035615.2), dbSNP rs151057501, ClinGen allele CA2742380.

ClinVar aggregate classification (germline): Likely benign (0 of 4 stars; one submission).

Conditions:
ETV5-related disorder. Also called: ETV5-related condition.

Allele frequency attached by ClinVar (database versions not stated): ExAC 0.00007; gnomAD exomes 0.00007; ESP Exome Variant Server 0.00008; gnomAD 0.00011; TOPMed 0.00014.
gnomAD v4.1: 122 of 1,614,076 alleles (0.0076%); highest among the groups gnomAD compares: Admixed American, 0.043%; no homozygotes.

Submission:

PreventionGenetics, part of Exact Sciences
Classification: Likely benign for ETV5-related condition. Last evaluated: 2019-08-07. Review status: no assertion criteria provided. Collection method: clinical testing. Allele origin: germline.
Comment: This variant is classified as likely benign based on ACMG/AMP sequence variant interpretation guidelines (Richards et al. 2015 PMID: 25741868, with internal and published modifications).